The following is an entry in ClinVar:

ClinVar aggregate classification (germline): Uncertain significance. Review status: criteria provided, multiple submitters, no conflicts (2 of 4 stars). 2 submissions from 2 submitters: Uncertain significance (2). Last evaluated 2024-01-08.

Conditions:
Fanconi anemia (FA). Also called: Fanconi's anemia. Identifiers: Orphanet 84, MedGen C0015625, MeSH D005199, MONDO:0019391.

Allele frequency attached by ClinVar (database versions not stated): gnomAD exomes 0.00001.
gnomAD v4.1: 4 of 1,613,084 alleles (0.00025%); highest among the groups gnomAD compares: Non-Finnish European, 0.00034%; no homozygotes.

Submissions (2):

GeneDx
Classification: Uncertain significance. Last evaluated: 2024-01-08. Review status: criteria provided, single submitter. Criteria: GeneDx Variant Classification Process June 2021. Collection method: clinical testing. Allele origin: germline. Affected: yes.
Comment: Not observed at significant frequency in large population cohorts (gnomAD); In silico analysis supports that this missense variant has a deleterious effect on protein structure/function; Has not been previously published as pathogenic or benign to our knowledge

Labcorp Genetics (formerly Invitae), Labcorp
Classification: Uncertain significance for Fanconi anemia. Last evaluated: 2022-12-22. Review status: criteria provided, single submitter. Criteria: Invitae Variant Classification Sherloc (09022015). Collection method: clinical testing. Allele origin: germline.
Comment: In summary, the available evidence is currently insufficient to determine the role of this variant in disease. Therefore, it has been classified as a Variant of Uncertain Significance. Algorithms developed to predict the effect of missense changes on protein structure and function are either unavailable or do not agree on the potential impact of this missense change (SIFT: "Deleterious"; PolyPhen-2: "Probably Damaging"; Align-GVGD: "Class C0"). This variant has not been reported in the literature in individuals affected with FANCM-related conditions. This variant is not present in population databases (gnomAD no frequency). This sequence change replaces serine, which is neutral and polar, with proline, which is neutral and non-polar, at codon 1224 of the FANCM protein (p.Ser1224Pro).

NM_020937.4(FANCM):c.3670T>C (p.Ser1224Pro)

Gene: FANCM (FA complementation group M; plus strand). Cytogenetic location: 14q21.2.
Variant type: single nucleotide variant.
Coding change: c.3670T>C on transcript NM_020937.4 (MANE Select); coding-DNA position 3670, T replaced by C.
Protein change: p.Ser1224Pro; replaces serine 1224 with proline.
Molecular consequence: missense variant.
Genome position (GRCh38, 1-based): chr14:45,176,424, T>C. VCF-style: chr14-45176424-T-C. GRCh37 (hg19) VCF-style: chr14-45645627-T-C.
Other names: c.3592T>C, p.Ser1198Pro (NM_001308133.2); short protein forms S1198P, S1224P.
Identifiers: ClinVar variation 3017742 (VCV003017742.4), dbSNP rs535441868, ClinGen allele CA259628444.